The following is an entry in ClinVar:

ClinVar aggregate classification (germline): Pathogenic/Likely pathogenic. Review status: criteria provided, multiple submitters, no conflicts (2 of 4 stars). 2 submissions from 2 submitters: Pathogenic (1); Likely pathogenic (1). Last evaluated 2024-06-27.

Conditions:
Cystic fibrosis (CF). Also called: MUCOVISCIDOSIS. Identifiers: Orphanet 586, MedGen C0010674, MONDO:0009061, OMIM 219700. Disease mechanism: loss of function.
CFTR-related disorder (CFTR-RD). Also called: CFTR-related condition; CFTR-related disorders. Identifiers: MedGen C5924204, MONDO:7770004.

Submissions (2):

Natera, Inc.
Classification: Likely pathogenic for CFTR-related disorders. Last evaluated: 2024-06-27. Review status: criteria provided, single submitter. Criteria: Natera Variant Classification Schema (03/2026). Collection method: clinical testing. Allele origin: germline.
Comment: The c.4315C>T variant in CFTR is a nonsense variant predicted to introduce a stop codon at amino acid 1439. This variant is expected to result in nonsense mediated decay, truncation, or a dysfunctional protein product. This variant is rare in the general population with a frequency below the threshold expected for the associated phenotype(s). Given the available evidence, this variant is classified as Likely Pathogenic.

Labcorp Genetics (formerly Invitae), Labcorp
Classification: Pathogenic for Cystic fibrosis. Last evaluated: 2023-03-18. Review status: criteria provided, single submitter. Criteria: Invitae Variant Classification Sherloc (09022015). Collection method: clinical testing. Allele origin: germline.
Comment: This variant has not been reported in the literature in individuals affected with CFTR-related conditions. This variant is not present in population databases (gnomAD no frequency). This sequence change creates a premature translational stop signal (p.Gln1439*) in the CFTR gene. While this is not anticipated to result in nonsense mediated decay, it is expected to disrupt the last 42 amino acid(s) of the CFTR protein. This variant disrupts a region of the CFTR protein in which other variant(s) (p.Gln1476*) have been determined to be pathogenic (PMID: 11938439, 22020151, 25910067, 28544683). This suggests that this is a clinically significant region of the protein, and that variants that disrupt it are likely to be disease-causing. For these reasons, this variant has been classified as Pathogenic.

Literature cited by the submitters: PubMed 11938439 (cited by Labcorp Genetics (formerly Invitae), Labcorp); PubMed 22020151 (cited by Labcorp Genetics (formerly Invitae), Labcorp); PubMed 25910067 (cited by Labcorp Genetics (formerly Invitae), Labcorp); PubMed 28544683 (cited by Labcorp Genetics (formerly Invitae), Labcorp).

NM_000492.4(CFTR):c.4315C>T (p.Gln1439Ter)

Genes: CFTR (CF transmembrane conductance regulator; plus strand), LOC111674477 (CFTR intron 23 enhancer; plus strand). Cytogenetic location: 7q31.2.
Variant type: single nucleotide variant.
Coding change: c.4315C>T on transcript NM_000492.4 (MANE Select); coding-DNA position 4315, C replaced by T.
Protein change: p.Gln1439Ter; replaces glutamine 1439 with a stop codon.
Molecular consequence: nonsense.
Genome position (GRCh38, 1-based): chr7:117,666,980, C>T. VCF-style: chr7-117666980-C-T. GRCh37 (hg19) VCF-style: chr7-117307034-C-T.
Other names: short protein forms Q1439*.
Identifiers: ClinVar variation 2846977 (VCV002846977.4), dbSNP rs2485185648, ClinGen allele CA368984780.